The following is an entry in ClinVar:

ClinVar aggregate classification (germline): Uncertain significance (1 of 4 stars; one submission).

gnomAD v4.1: 13 of 1,613,864 alleles (0.00081%); highest among the groups gnomAD compares: Admixed American, 0.0033%; no homozygotes.

Submission:

Ambry Genetics
Classification: Uncertain significance. Last evaluated: 2026-08-23. Review status: criteria provided, single submitter. Criteria: Ambry Variant Classification Scheme 2023. Collection method: clinical testing. Allele origin: germline.
Comment: The c.2296A>G (p.T766A) alteration is located in exon 8 (coding exon 8) of the PCF11 gene. This alteration results from a A to G substitution at nucleotide position 2296, causing the threonine (T) at amino acid position 766 to be replaced by an alanine (A). Based on data from gnomAD, the G allele has an overall frequency of 0.001% (4/280424) total alleles studied. The highest observed frequency was 0.006% (2/35374) of Latino alleles. Based on insufficient or conflicting evidence, the clinical significance of this alteration remains unclear.

NM_001346413.3(PCF11):c.2689A>G (p.Thr897Ala)

Gene: PCF11 (PCF11 cleavage and polyadenylation factor subunit; plus strand). Cytogenetic location: 11q14.1.
Variant type: single nucleotide variant.
Coding change: c.2689A>G on transcript NM_001346413.3 (MANE Select); coding-DNA position 2689, A replaced by G.
Protein change: p.Thr897Ala; replaces threonine 897 with alanine.
Molecular consequence: missense variant.
Genome position (GRCh38, 1-based): chr11:83,168,631, A>G. VCF-style: chr11-83168631-A-G. GRCh37 (hg19) VCF-style: chr11-82879673-A-G.
Other names: c.2689A>G, p.Thr897Ala (NM_001346414.2); c.2296A>G, p.Thr766Ala (NM_001346415.2, NM_015885.4); short protein forms T766A, T897A.
Identifiers: ClinVar variation 5026355 (VCV005026355.1).